The following is an entry in ClinVar:

NM_001048174.2(MUTYH):c.624T>A (p.Asp208Glu)

Gene: MUTYH (mutY DNA glycosylase; minus strand). Cytogenetic location: 1p34.1.
Variant type: single nucleotide variant.
Coding change: c.624T>A on transcript NM_001048174.2 (MANE Select); coding-DNA position 624, T replaced by A.
Protein change: p.Asp208Glu; replaces aspartic acid 208 with glutamic acid.
Molecular consequence: missense variant. On other transcripts: non-coding transcript variant (2).
Genome position (GRCh38, 1-based): chr1:45,332,471, A>T on the plus strand (T>A on the coding strand, the complement: MUTYH is on the minus strand). VCF-style: chr1-45332471-A-T. GRCh37 (hg19) VCF-style: chr1-45798143-A-T.
Other names: c.627T>A, p.Asp209Glu (NM_001048172.2); c.624T>A, p.Asp208Glu (NM_001048173.2, NM_001293195.2, NM_001048171.2); c.708T>A, p.Asp236Glu (NM_001128425.2); c.669T>A, p.Asp223Glu (NM_001293190.2); c.657T>A, p.Asp219Glu (NM_001293191.2); c.348T>A, p.Asp116Glu (NM_001293192.2, NM_001293196.2); c.279T>A, p.Asp93Glu (NM_001350650.2, NM_001350651.2); c.699T>A, p.Asp233Glu (NM_012222.3); short protein forms D236E, D219E, D223E, D116E, D208E, D233E, D209E, D93E.
Identifiers: ClinVar variation 233912 (VCV000233912.7), dbSNP rs876660729, ClinGen allele CA10577725.
Genomic context (GRCh38, chr1:45,332,471, plus strand): 5'-GGTGCTGCTGGGATCAGCACCAATGGCTCGGACACGGCACAGCACCCGTGCTACGTTGCC[A>T]TCCACCACACCGGTTGCCTGGCACAGAGGGGCCAAAGAGTTAGCCTGGGCTGGGAGGAAG-3'
Protein context (NP_001041639.1, residues 198-218): IAFGQATGVV[Asp208Glu]GNVARVLCRV

ClinVar aggregate classification (germline): Likely pathogenic. Review status: criteria provided, multiple submitters, no conflicts (2 of 4 stars). 2 submissions from 2 submitters: Likely pathogenic (2). Last evaluated 2026-07-09.

Conditions:
Hereditary cancer-predisposing syndrome. Also called: Hereditary Cancer Syndrome; Tumor predisposition; Hereditary neoplastic syndrome; Neoplastic Syndromes, Hereditary. Identifiers: Orphanet 140162, MedGen C0027672, MeSH D009386, MONDO:0015356.
Familial adenomatous polyposis 2. Also called: MUTYH-associated polyposis; Adenomas, multiple colorectal; FAP type 2; MUTYH Polyposis; COLORECTAL ADENOMATOUS POLYPOSIS, AUTOSOMAL RECESSIVE; ADENOMAS, MULTIPLE COLORECTAL, AUTOSOMAL RECESSIVE. Identifiers: Orphanet 220460, Orphanet 247798, MedGen C3272841, MONDO:0012041, OMIM 608456.

Submissions (2):

Myriad Genetics, Inc.
Classification: Likely pathogenic for Familial adenomatous polyposis 2. Last evaluated: 2026-07-09. Review status: criteria provided, single submitter. Criteria: Myriad Autosomal Dominant, Autosomal Recessive and X-Linked Classification Criteria (2023). Collection method: clinical testing. Allele origin: unknown.
Comment: This variant is considered likely pathogenic. Functional studies indicate this variant impacts protein function [PMID: 40738107]. This variant is expected to disrupt protein structure [Myriad internal data].

Ambry Genetics
Classification: Likely pathogenic for Hereditary cancer-predisposing syndrome. Last evaluated: 2025-08-15. Review status: criteria provided, single submitter. Criteria: Ambry Variant Classification Scheme 2023. Collection method: clinical testing. Allele origin: germline.
Comment: The p.D236E variant (also known as c.708T>A), located in coding exon 9 of the MUTYH gene, results from a T to A substitution at nucleotide position 708. The aspartic acid at codon 236 is replaced by glutamic acid, an amino acid with highly similar properties. In a massively parallel cell-based functional assay testing 7,8-dihydro-8- oxoguanine:adenine (8OG:A) repair activity, a byproduct of oxidative damage, this variant was reported to be non-functional (Hemker SL et al. Am J Hum Genet. Published online July 29, 2025. DOI: 10.1016/j.ajhg.2025.07.005). This amino acid position is highly conserved in available vertebrate species. In addition, this alteration is predicted to be deleterious by in silico analysis. This variant is considered to be rare based on population cohorts in the Genome Aggregation Database (gnomAD). Based on the majority of available evidence to date, this variant is likely to be pathogenic.

Literature cited by the submitters: PubMed 40738107 (cited by Myriad Genetics, Inc. and Ambry Genetics).